The following is an entry in ClinVar:

ClinVar aggregate classification (germline): Conflicting classifications of pathogenicity. Review status: criteria provided, conflicting classifications (1 of 4 stars). 3 submissions from 3 submitters: Uncertain significance (2); Likely benign (1). Last evaluated 2026-07-13.

Conditions:
Tuberous sclerosis 2 (TSC2). Identifiers: Orphanet 805, MedGen C1860707, MONDO:0013199, OMIM 613254.
Tuberous sclerosis syndrome (TSC). Also called: Tuberous Sclerosis Complex; Tuberous sclerosis. Identifiers: Orphanet 805, MedGen C0041341, MONDO:0001734.
Hereditary cancer-predisposing syndrome. Also called: Hereditary Cancer Syndrome; Hereditary neoplastic syndrome; Neoplastic Syndromes, Hereditary; Tumor predisposition. Identifiers: Orphanet 140162, MedGen C0027672, MeSH D009386, MONDO:0015356.

Allele frequency attached by ClinVar (database versions not stated): ExAC 0.00001.

Submissions (3):

Ambry Genetics
Classification: Uncertain significance for Hereditary cancer-predisposing syndrome. Last evaluated: 2026-07-13. Review status: criteria provided, single submitter. Criteria: Ambry Variant Classification Scheme 2023. Collection method: clinical testing. Allele origin: germline.
Comment: The p.H1543Q variant (also known as c.4629C>G), located in coding exon 35 of the TSC2 gene, results from a C to G substitution at nucleotide position 4629. The histidine at codon 1543 is replaced by glutamine, an amino acid with highly similar properties. This amino acid position is highly conserved in available vertebrate species. In addition, this alteration is predicted to be deleterious by in silico analysis. Based on the available evidence, the clinical significance of this variant remains unclear.

Labcorp Genetics (formerly Invitae), Labcorp
Classification: Likely benign for Tuberous sclerosis 2. Last evaluated: 2024-07-09. Review status: criteria provided, single submitter. Criteria: Invitae Variant Classification Sherloc (09022015). Collection method: clinical testing. Allele origin: germline.

All of Us Research Program, National Institutes of Health
Classification: Uncertain significance for Tuberous sclerosis syndrome. Last evaluated: 2023-08-15. Review status: criteria provided, single submitter. Criteria: ACMG Guidelines, 2015. Collection method: clinical testing. Allele origin: germline. Inheritance: Autosomal dominant inheritance. Observed: 1 variant allele, 1 heterozygote.
Comment: This study involves interpretation of variants in research participants for the purpose of population health screening. Participant phenotype was not available at the time of variant classification. Additional details can be found in publication PMID: 35346344, PMCID: PMC8962531

NM_000548.5(TSC2):c.4629C>G (p.His1543Gln)

Gene: TSC2 (TSC complex subunit 2; plus strand). Cytogenetic location: 16p13.3.
Variant type: single nucleotide variant.
Coding change: c.4629C>G on transcript NM_000548.5 (MANE Select); coding-DNA position 4629, C replaced by G.
Protein change: p.His1543Gln; replaces histidine 1543 with glutamine.
Molecular consequence: missense variant.
Genome position (GRCh38, 1-based): chr16:2,085,289, C>G. VCF-style: chr16-2085289-C-G. GRCh37 (hg19) VCF-style: chr16-2135290-C-G.
Other names: c.4428C>G, p.His1476Gln (NM_001077183.3); c.4560C>G, p.His1520Gln (NM_001114382.3); c.4320C>G, p.His1440Gln (NM_001318827.2); c.4284C>G, p.His1428Gln (NM_001318829.2); c.3897C>G, p.His1299Gln (NM_001318831.2); c.4461C>G, p.His1487Gln (NM_001318832.2); c.4431C>G, p.His1477Gln (NM_001363528.2); c.4497C>G, p.His1499Gln (NM_001370404.1); and 26 more; short protein forms H1320Q, H1343Q, H1472Q, H1483Q, H1542Q, H942Q, H1029Q, H1276Q.
Identifiers: ClinVar variation 1741992 (VCV001741992.7), dbSNP rs751873212, ClinGen allele CA051970.